The following is an entry in ClinVar:

ClinVar aggregate classification (germline): Uncertain significance (1 of 4 stars; one submission).

Conditions:
Inflammatory bowel disease. Identifiers: Orphanet 104012, MedGen C0021390, MONDO:0005265.

gnomAD v4.1: 3 of 1,614,076 alleles (0.00019%); highest among the groups gnomAD compares: Non-Finnish European, 0.00025%; no homozygotes.

Submission:

Labcorp Genetics (formerly Invitae), Labcorp
Classification: Uncertain significance for Inflammatory bowel disease. Last evaluated: 2022-08-15. Review status: criteria provided, single submitter. Criteria: Invitae Variant Classification Sherloc (09022015). Collection method: clinical testing. Allele origin: germline.
Comment: In summary, the available evidence is currently insufficient to determine the role of this variant in disease. Therefore, it has been classified as a Variant of Uncertain Significance. Algorithms developed to predict the effect of missense changes on protein structure and function output the following: SIFT: "Tolerated"; PolyPhen-2: "Benign"; Align-GVGD: "Class C0". The glutamic acid amino acid residue is found in multiple mammalian species, which suggests that this missense change does not adversely affect protein function. This variant has not been reported in the literature in individuals affected with IL10-related conditions. This variant is not present in population databases (gnomAD no frequency). This sequence change replaces alanine, which is neutral and non-polar, with glutamic acid, which is acidic and polar, at codon 107 of the IL10 protein (p.Ala107Glu).

NM_000572.3(IL10):c.320C>A (p.Ala107Glu)

Genes: IL10 (interleukin 10; minus strand), IL19 (interleukin 19; plus strand), LOC129932369 (ATAC-STARR-seq lymphoblastoid active region 2419; plus strand). Cytogenetic location: 1q32.1.
Variant type: single nucleotide variant.
Coding change: c.320C>A on transcript NM_000572.3 (MANE Select); coding-DNA position 320, C replaced by A.
Protein change: p.Ala107Glu; replaces alanine 107 with glutamic acid.
Molecular consequence: missense variant. On other transcripts: 5 prime UTR variant (1), non-coding transcript variant (1), intron variant (1).
Genome position (GRCh38, 1-based): chr1:206,770,965, G>T on the plus strand (C>A on the coding strand, the complement: IL10 is on the minus strand). VCF-style: chr1-206770965-G-T. GRCh37 (hg19) VCF-style: chr1-206944310-G-T.
Other names: c.-262G>T (NM_153758.5); c.65C>A, p.Ala22Glu (NM_001382624.1); c.-149+135G>T (NM_001393490.1); short protein forms A107E, A22E.
Identifiers: ClinVar variation 1716474 (VCV001716474.6), dbSNP rs755490123, ClinGen allele CA344482040.